The following is an entry in ClinVar:

NM_014714.4(IFT140):c.3749C>T (p.Ala1250Val)

Gene: IFT140 (intraflagellar transport 140; minus strand). Cytogenetic location: 16p13.3.
Variant type: single nucleotide variant.
Coding change: c.3749C>T on transcript NM_014714.4 (MANE Select); coding-DNA position 3749, C replaced by T.
Protein change: p.Ala1250Val; replaces alanine 1250 with valine.
Molecular consequence: missense variant.
Genome position (GRCh38, 1-based): chr16:1,520,255, G>A on the plus strand (C>T on the coding strand, the complement: IFT140 is on the minus strand). VCF-style: chr16-1520255-G-A. GRCh37 (hg19) VCF-style: chr16-1570256-G-A.
Other names: short protein forms A1250V.
Identifiers: ClinVar variation 1916689 (VCV001916689.5), dbSNP rs2040479635, ClinGen allele CA394224484.

ClinVar aggregate classification (germline): Uncertain significance (1 of 4 stars; one submission).

Conditions:
Saldino-Mainzer syndrome (SRTD9). Also called: Renal dysplasia, retinal pigmentary dystrophy, cerebellar ataxia and skeletal dysplasia; CONORENAL SYNDROME; short-rib thoracic dysplasia 9 with or without polydactyly; SHORT-RIB THORACIC DYSPLASIA 9 WITHOUT POLYDACTYLY. Identifiers: Orphanet 140969, MedGen C1849437, MONDO:0009964, OMIM 266920.

Allele frequency attached by ClinVar (database versions not stated): gnomAD exomes below 0.00001; TOPMed below 0.00001.
gnomAD v4.1: 2 of 1,614,234 alleles (0.00012%); highest among the groups gnomAD compares: Non-Finnish European, 0.00017%; no homozygotes.

Submission:

Labcorp Genetics (formerly Invitae), Labcorp
Classification: Uncertain significance for Saldino-Mainzer syndrome. Last evaluated: 2022-07-19. Review status: criteria provided, single submitter. Criteria: Invitae Variant Classification Sherloc (09022015). Collection method: clinical testing. Allele origin: germline.
Comment: In summary, the available evidence is currently insufficient to determine the role of this variant in disease. Therefore, it has been classified as a Variant of Uncertain Significance. Algorithms developed to predict the effect of missense changes on protein structure and function are either unavailable or do not agree on the potential impact of this missense change (SIFT: "Deleterious"; PolyPhen-2: "Probably Damaging"; Align-GVGD: "Class C0"). This variant has not been reported in the literature in individuals affected with IFT140-related conditions. This variant is not present in population databases (gnomAD no frequency). This sequence change replaces alanine, which is neutral and non-polar, with valine, which is neutral and non-polar, at codon 1250 of the IFT140 protein (p.Ala1250Val).